The following is an entry in ClinVar:

ClinVar aggregate classification (germline): Uncertain significance. Review status: criteria provided, multiple submitters, no conflicts (2 of 4 stars). 7 submissions from 7 submitters: Uncertain significance (6). 1 of the submissions does not count toward it. Last evaluated 2025-11-24.

Conditions:
Hereditary cancer-predisposing syndrome. Also called: Hereditary neoplastic syndrome; Neoplastic Syndromes, Hereditary; Tumor predisposition; Hereditary Cancer Syndrome. Identifiers: Orphanet 140162, MedGen C0027672, MeSH D009386, MONDO:0015356.
Aplastic anemia. Identifiers: Orphanet 182040, Orphanet 88, MedGen C0002874, MONDO:0015909, OMIM 609135, HP:0001915.
Microcephaly, normal intelligence and immunodeficiency (NBS). Also called: IMMUNODEFICIENCY, MICROCEPHALY, AND CHROMOSOMAL INSTABILITY; SEEMANOVA SYNDROME II; Nijmegen breakage syndrome; Microcephaly with normal intelligence immunodeficiency and lymphoreticular malignancies; Nonsyndromal microcephaly autosomal recessive with normal intelligence; Seemanova syndrome 2. Identifiers: Orphanet 647, MedGen C0398791, MONDO:0009623, OMIM 251260.

gnomAD v4.1: 12 of 1,581,076 alleles (0.00076%); highest among the groups gnomAD compares: Non-Finnish European, 0.001%; no homozygotes.

Submissions (7):

Labcorp Genetics (formerly Invitae), Labcorp
Classification: Uncertain significance for Microcephaly, normal intelligence and immunodeficiency. Last evaluated: 2025-11-24. Review status: criteria provided, single submitter. Criteria: Invitae Variant Classification Sherloc (09022015). Collection method: clinical testing. Allele origin: germline.
Comment: This sequence change replaces serine, which is neutral and polar, with arginine, which is basic and polar, at codon 647 of the NBN protein (p.Ser647Arg). This variant is present in population databases (no rsID available, gnomAD 0.0009%). This variant has not been reported in the literature in individuals affected with NBN-related conditions. ClinVar contains an entry for this variant (Variation ID: 461530). An algorithm developed to predict the effect of missense changes on protein structure and function (PolyPhen-2) suggests that this variant is likely to be disruptive. In summary, the available evidence is currently insufficient to determine the role of this variant in disease. Therefore, it has been classified as a Variant of Uncertain Significance.

Baylor Genetics
Classification: Uncertain significance for Aplastic anemia. Last evaluated: 2024-02-19. Review status: criteria provided, single submitter. Criteria: ACMG Guidelines, 2015. Collection method: clinical testing. Allele origin: unknown.

Ambry Genetics
Classification: Uncertain significance for Hereditary cancer-predisposing syndrome. Last evaluated: 2022-12-12. Review status: criteria provided, single submitter. Criteria: Ambry Variant Classification Scheme 2023. Collection method: clinical testing. Allele origin: germline.
Comment: The p.S647R variant (also known as c.1941T>A), located in coding exon 13 of the NBN gene, results from a T to A substitution at nucleotide position 1941. The serine at codon 647 is replaced by arginine, an amino acid with dissimilar properties. This amino acid position is poorly conserved in available vertebrate species. In addition, this alteration is predicted to be tolerated by in silico analysis. Since supporting evidence is limited at this time, the clinical significance of this alteration remains unclear.

Quest Diagnostics Nichols Institute San Juan Capistrano
Classification: Uncertain significance. Last evaluated: 2022-11-01. Review status: criteria provided, single submitter. Criteria: Quest Diagnostics criteria. Collection method: clinical testing. Allele origin: unknown.
Comment: The variant has not been reported in individuals with NBN-related conditions in the published literature. The frequency of this variant in the general population, 0.000004 (1/251170 chromosomes), is uninformative in assessment of its pathogenicity. Analysis of this variant using bioinformatics tools for the prediction of the effect of amino acid changes on protein structure and function yielded predictions that this variant is benign. Based on the available information, we are unable to determine the clinical significance of this variant.

Genome-Nilou Lab
Classification: Uncertain significance for Microcephaly, normal intelligence and immunodeficiency. Last evaluated: 2021-11-07. Review status: criteria provided, single submitter. Criteria: ACMG Guidelines, 2015. Collection method: clinical testing. Allele origin: germline. Affected: no.

GeneDx
Classification: Uncertain significance. Last evaluated: 2021-10-15. Review status: criteria provided, single submitter. Criteria: GeneDx Variant Classification Process June 2021. Collection method: clinical testing. Allele origin: germline. Affected: yes.
Comment: Not observed at a significant frequency in large population cohorts (Lek 2016); In silico analysis supports that this missense variant does not alter protein structure/function; Has not been previously published as pathogenic or benign to our knowledge; This variant is associated with the following publications: (PMID: 24894818)

Natera, Inc.
Classification: Uncertain significance for Nijmegen breakage syndrome. Last evaluated: 2021-05-21. Review status: no assertion criteria provided. Collection method: clinical testing. Allele origin: germline. Not counted in ClinVar's aggregate classification.

NM_002485.5(NBN):c.1941T>A (p.Ser647Arg)

Gene: NBN (nibrin; minus strand). Cytogenetic location: 8q21.3.
Variant type: single nucleotide variant.
Coding change: c.1941T>A on transcript NM_002485.5 (MANE Select); coding-DNA position 1941, T replaced by A.
Protein change: p.Ser647Arg; replaces serine 647 with arginine.
Molecular consequence: missense variant.
Genome position (GRCh38, 1-based): chr8:89,946,269, A>T on the plus strand (T>A on the coding strand, the complement: NBN is on the minus strand). VCF-style: chr8-89946269-A-T. GRCh37 (hg19) VCF-style: chr8-90958497-A-T.
Other names: c.1695T>A, p.Ser565Arg (NM_001024688.3); short protein forms S647R, S565R.
Identifiers: ClinVar variation 461530 (VCV000461530.32), dbSNP rs1477953712, ClinGen allele CA371676724.